The following is an entry in ClinVar:

NM_004565.3(PEX14):c.-1G>A

Gene: PEX14 (peroxisomal biogenesis factor 14; plus strand). Cytogenetic location: 1p36.22.
Variant type: single nucleotide variant.
Coding change: c.-1G>A on transcript NM_004565.3 (MANE Select); 1 bases upstream of the start codon, G replaced by A.
Molecular consequence: 5 prime UTR variant.
Genome position (GRCh38, 1-based): chr1:10,474,966, G>A. VCF-style: chr1-10474966-G-A. GRCh37 (hg19) VCF-style: chr1-10535023-G-A.
Identifiers: ClinVar variation 4986021 (VCV004986021.1).

ClinVar aggregate classification (germline): Likely benign (1 of 4 stars; one submission).

Conditions:
PEX14-related disorder. Also called: PEX14-related condition.

Submission:

PreventionGenetics, part of Exact Sciences
Classification: Likely benign for PEX14-related condition. Last evaluated: 2025-02-18. Review status: criteria provided, single submitter. Criteria: ACMG Guidelines, 2015. Collection method: clinical testing. Allele origin: germline.
Comment: This variant is classified as likely benign based on ACMG/AMP sequence variant interpretation guidelines (Richards et al. 2015 PMID: 25741868, with internal and published modifications).